The following is an entry in ClinVar:

ClinVar aggregate classification (germline): Uncertain significance (1 of 4 stars; one submission).

Submission:

GeneDx
Classification: Uncertain significance. Last evaluated: 2025-06-17. Review status: criteria provided, single submitter. Criteria: GeneDx Variant Classification Process June 2021. Collection method: clinical testing. Allele origin: germline. Affected: yes.
Comment: Not observed at significant frequency in large population cohorts (gnomAD); Frameshift variant predicted to result in protein truncation or nonsense mediated decay in a gene or region of a gene for which loss of function is not a well-established mechanism of disease; Has not been previously published as pathogenic or benign to our knowledge

NM_001282597.3(CTNNA2):c.821del (p.Gly274fs)

Gene: CTNNA2 (catenin alpha 2; plus strand). Cytogenetic location: 2p12.
Variant type: Deletion.
Coding change: c.821del on transcript NM_001282597.3 (MANE Select); coding-DNA position 821, one base deleted (G; older notation c.821delG).
Protein change: p.Gly274fs; shifts the reading frame from glycine 274.
Molecular consequence: frameshift variant.
Genome position (GRCh38, 1-based): chr2:79,874,311, G deleted; the last of 2 consecutive G bases (chr2:79,874,310-79,874,311); deleting either gives the same sequence. VCF-style (leftmost placement, unchanged base first): chr2-79874309-CG-C. GRCh37 (hg19) VCF-style: chr2-80101435-CG-C.
Other names: c.821del, p.Gly274fs (NM_001164883.2, NM_001399737.1, NM_004389.4); c.923del, p.Gly308fs (NM_001282598.2); short protein forms G274fs, G308fs.
Identifiers: ClinVar variation 4538748 (VCV004538748.1).